The following is an entry in ClinVar:

NM_000811.3(GABRA6):c.1086+10T>A

Gene: GABRA6 (gamma-aminobutyric acid type A receptor subunit alpha6; plus strand). Cytogenetic location: 5q34.
Variant type: single nucleotide variant.
Coding change: c.1086+10T>A on transcript NM_000811.3 (MANE Select); 10 bases into the intron after coding-DNA position 1086, T replaced by A.
Molecular consequence: intron variant.
Genome position (GRCh38, 1-based): chr5:161,692,210, T>A. VCF-style: chr5-161692210-T-A. GRCh37 (hg19) VCF-style: chr5-161119216-T-A.
Identifiers: ClinVar variation 766983 (VCV000766983.5), dbSNP rs141165453, ClinGen allele CA3544089.

ClinVar aggregate classification (germline): Benign. Review status: criteria provided, single submitter (1 of 4 stars). 2 submissions from 2 submitters: Benign (1). 1 of the submissions does not count toward it. Last evaluated 2018-06-19.

Conditions:
GABRA6-related disorder. Also called: GABRA6-related condition.

Allele frequency attached by ClinVar (database versions not stated): gnomAD exomes 0.00015 and 0.00037; ExAC 0.00043; ESP Exome Variant Server 0.00154; gnomAD 0.00155 and 0.00163; TOPMed 0.00164; 1000 Genomes Project 0.00220; 1000 Genomes Project 30x 0.00234.
gnomAD v4.1: 457 of 1,614,238 alleles (0.028%); highest among the groups gnomAD compares: African/African-American, 0.58%; no homozygotes.

Submissions (2):

Labcorp Genetics (formerly Invitae), Labcorp
Classification: Benign. Last evaluated: 2018-06-19. Review status: criteria provided, single submitter. Criteria: Invitae Variant Classification Sherloc (09022015). Collection method: clinical testing. Allele origin: germline.

PreventionGenetics, part of Exact Sciences
Classification: Likely benign for GABRA6-related condition. Last evaluated: 2019-05-24. Review status: no assertion criteria provided. Collection method: clinical testing. Allele origin: germline. Not counted in ClinVar's aggregate classification.
Comment: This variant is classified as likely benign based on ACMG/AMP sequence variant interpretation guidelines (Richards et al. 2015 PMID: 25741868, with internal and published modifications).